The following is an entry in ClinVar:

NM_001105206.3(LAMA4):c.3882T>G (p.Asp1294Glu)

Gene: LAMA4 (laminin subunit alpha 4; minus strand). Cytogenetic location: 6q21.
Variant type: single nucleotide variant.
Coding change: c.3882T>G on transcript NM_001105206.3 (MANE Select); coding-DNA position 3882, T replaced by G.
Protein change: p.Asp1294Glu; replaces aspartic acid 1294 with glutamic acid.
Molecular consequence: missense variant.
Genome position (GRCh38, 1-based): chr6:112,131,054, A>C on the plus strand (T>G on the coding strand, the complement: LAMA4 is on the minus strand). VCF-style: chr6-112131054-A-C. GRCh37 (hg19) VCF-style: chr6-112452256-A-C.
Other names: c.3861T>G, p.Asp1287Glu (NM_001105207.3, NM_002290.5); short protein forms D1294E, D1287E.
Identifiers: ClinVar variation 1735618 (VCV001735618.2), dbSNP rs2546998099, ClinGen allele CA365374221.

ClinVar aggregate classification (germline): Uncertain significance (1 of 4 stars; one submission).

Conditions:
Cardiovascular phenotype. Identifiers: MedGen CN230736.

Submission:

Ambry Genetics
Classification: Uncertain significance for Cardiovascular phenotype. Last evaluated: 2022-01-31. Review status: criteria provided, single submitter. Criteria: Ambry Variant Classification Scheme 2023. Collection method: clinical testing. Allele origin: germline.
Comment: The p.D1287E variant (also known as c.3861T>G), located in coding exon 28 of the LAMA4 gene, results from a T to G substitution at nucleotide position 3861. The aspartic acid at codon 1287 is replaced by glutamic acid, an amino acid with highly similar properties. This amino acid position is poorly conserved in available vertebrate species. In addition, this alteration is predicted to be tolerated by in silico analysis. The evidence for this gene-disease relationship is limited; therefore, the clinical significance of this alteration is unclear.